The following is an entry in ClinVar:

ClinVar aggregate classification (germline): Likely benign. Review status: criteria provided, multiple submitters, no conflicts (2 of 4 stars). 2 submissions from 2 submitters: Likely benign (2). Last evaluated 2025-08-18.

Conditions:
TANGO2-related disorder. Also called: TANGO2-related condition.

Allele frequency attached by ClinVar (database versions not stated): ExAC 0.00001; gnomAD exomes 0.00002 and 0.00003; TOPMed 0.00002; gnomAD 0.00003 and 0.00004.

Submissions (2):

PreventionGenetics, part of Exact Sciences
Classification: Likely benign for TANGO2-related condition. Last evaluated: 2025-08-18. Review status: criteria provided, single submitter. Criteria: ACMG Guidelines, 2015. Collection method: clinical testing. Allele origin: germline.
Comment: This variant is classified as likely benign based on ACMG/AMP sequence variant interpretation guidelines (Richards et al. 2015 PMID: 25741868, with internal and published modifications).

Labcorp Genetics (formerly Invitae), Labcorp
Classification: Likely benign. Last evaluated: 2025-07-02. Review status: criteria provided, single submitter. Criteria: Invitae Variant Classification Sherloc (09022015). Collection method: clinical testing. Allele origin: germline.

NM_152906.7(TANGO2):c.48C>T (p.Asn16=)

Gene: TANGO2 (transport and golgi organization 2 homolog; plus strand). Cytogenetic location: 22q11.21.
Variant type: single nucleotide variant.
Coding change: c.48C>T on transcript NM_152906.7 (MANE Select); coding-DNA position 48, C replaced by T.
Protein change: p.Asn16=; no amino-acid change (asparagine 16 retained).
Molecular consequence: synonymous variant. On other transcripts: 5 prime UTR variant (20), non-coding transcript variant (5).
Genome position (GRCh38, 1-based): chr22:20,036,846, C>T. VCF-style: chr22-20036846-C-T. GRCh37 (hg19) VCF-style: chr22-20024369-C-T.
Other names: c.48C>T, p.Asn16= (NM_001283106.3, NM_001283116.3, NM_001283148.3 and 10 more transcripts); c.-70C>T (NM_001283129.3, NM_001283215.3, NM_001322141.2 and 5 more transcripts); c.-132C>T (NM_001283235.3, NM_001322146.2, NM_001322153.2 and 5 more transcripts); c.-372C>T (NM_001322148.2, NM_001322150.2, NM_001322172.2 and 1 more transcripts); c.48C>T (NM_152906.6).
Identifiers: ClinVar variation 1589849 (VCV001589849.10), dbSNP rs762759592, ClinGen allele CA10106112.
Genomic context (GRCh38, chr22:20,036,846, plus strand): 5'-GCCCTGCACCACCATGTGCATCATCTTCTTTAAGTTTGATCCTCGCCCTGTTTCCAAAAA[C>T]GCGTACAGGTAACCCCCTCGCTCTGCATCTGCTGCGCCCTGCAGGGTCCTGGGTGCCCAG-3'
Protein context (NP_690870.3, residues 6-26): FKFDPRPVSK[Asn16=]AYRLILAANR